The following is an entry in ClinVar:

NM_022841.7(RFX7):c.2331del (p.Phe777fs)

Gene: RFX7 (regulatory factor X7; minus strand). Cytogenetic location: 15q21.3.
Variant type: Deletion.
Coding change: c.2331del on transcript NM_022841.7 (MANE Select); coding-DNA position 2331, one base deleted (T; older notation c.2331delT).
Protein change: p.Phe777fs; shifts the reading frame from phenylalanine 777.
Molecular consequence: frameshift variant.
Genome position (GRCh38, 1-based): chr15:56,095,397, A deleted on the plus strand (T on the coding strand, the reverse complement: RFX7 is on the minus strand); the first of 3 consecutive A bases (chr15:56,095,397-56,095,399); deleting any one gives the same sequence. VCF-style (leftmost placement, unchanged base first): chr15-56095396-TA-T. GRCh37 (hg19) VCF-style: chr15-56387594-TA-T.
Other names: c.2040del, p.Phe680fs (NM_001370554.1, NM_001368073.2, NM_001368074.1); c.2331del, p.Phe777fs (NM_001370561.1); short protein forms F680fs, F777fs.
Identifiers: ClinVar variation 4880615 (VCV004880615.2).

ClinVar aggregate classification (germline): Likely pathogenic (1 of 4 stars; one submission).

Conditions:
Intellectual developmental disorder, autosomal dominant 71, with behavioral abnormalities (MRD71). Identifiers: MedGen C5830437, MONDO:0957228, OMIM 620330.

Submission:

Dasa
Classification: Likely pathogenic for Intellectual developmental disorder, autosomal dominant 71, with behavioral abnormalities. Last evaluated: 2026-04-10. Review status: criteria provided, single submitter. Criteria: DASA Assertion Criteria. Collection method: clinical testing. Allele origin: germline.
Comment: NM_022841.7(RFX7):c.2331del (p.Phe777Leufs*29) is a frameshift variant in RFX7 predicted to alter the reading frame and introduce a premature termination codon and is predicted to result in an absent or altered protein product. Loss of function is an established disease mechanism for RFX7-associated disorders. Also, this variant is rare in population databases. Based on the currently available evidence, this variant is classified as likely pathogenic.